The following is an entry in ClinVar:

ClinVar aggregate classification (germline): Uncertain significance. Review status: criteria provided, multiple submitters, no conflicts (2 of 4 stars). 2 submissions from 2 submitters: Uncertain significance (2). Last evaluated 2025-04-12.

Conditions:
Inborn genetic diseases. Identifiers: MedGen C0950123, MeSH D030342.

gnomAD v4.1: 12 of 1,611,730 alleles (0.00074%); highest among the groups gnomAD compares: Admixed American, 0.0033%; no homozygotes.

Submissions (2):

Ambry Genetics
Classification: Uncertain significance for Inborn genetic diseases. Last evaluated: 2025-04-12. Review status: criteria provided, single submitter. Criteria: Ambry Variant Classification Scheme 2023. Collection method: clinical testing. Allele origin: germline.

Labcorp Genetics (formerly Invitae), Labcorp
Classification: Uncertain significance. Last evaluated: 2022-06-15. Review status: criteria provided, single submitter. Criteria: Invitae Variant Classification Sherloc (09022015). Collection method: clinical testing. Allele origin: germline.
Comment: This sequence change replaces glutamic acid, which is acidic and polar, with lysine, which is basic and polar, at codon 1244 of the LRRK1 protein (p.Glu1244Lys). This variant is present in population databases (rs558530256, gnomAD 0.006%). This variant has not been reported in the literature in individuals affected with LRRK1-related conditions. Algorithms developed to predict the effect of missense changes on protein structure and function are either unavailable or do not agree on the potential impact of this missense change (SIFT: "Tolerated"; PolyPhen-2: "Possibly Damaging"; Align-GVGD: "Class C0"). In summary, the available evidence is currently insufficient to determine the role of this variant in disease. Therefore, it has been classified as a Variant of Uncertain Significance.

NM_024652.6(LRRK1):c.3730G>A (p.Glu1244Lys)

Genes: LRRK1 (leucine rich repeat kinase 1; plus strand), LRRK1-AS1 (LRRK1 antisense RNA 1; minus strand). Cytogenetic location: 15q26.3.
Variant type: single nucleotide variant.
Coding change: c.3730G>A on transcript NM_024652.6 (MANE Select); coding-DNA position 3730, G replaced by A.
Protein change: p.Glu1244Lys; replaces glutamic acid 1244 with lysine.
Molecular consequence: missense variant.
Genome position (GRCh38, 1-based): chr15:101,052,962, G>A. VCF-style: chr15-101052962-G-A. GRCh37 (hg19) VCF-style: chr15-101593167-G-A.
Other names: c.3730G>A (NM_024652.3); short protein forms E1244K.
Identifiers: ClinVar variation 1909151 (VCV001909151.3), dbSNP rs558530256, ClinGen allele CA7761630.